The following is an entry in ClinVar:

NM_001851.6(COL9A1):c.462A>G (p.Val154=)

Gene: COL9A1 (collagen type IX alpha 1 chain; minus strand). Cytogenetic location: 6q13.
Variant type: single nucleotide variant.
Coding change: c.462A>G on transcript NM_001851.6 (MANE Select); coding-DNA position 462, A replaced by G.
Protein change: p.Val154=; no amino-acid change (valine 154 retained).
Molecular consequence: synonymous variant.
Genome position (GRCh38, 1-based): chr6:70,294,401, T>C on the plus strand (A>G on the coding strand, the complement: COL9A1 is on the minus strand). VCF-style: chr6-70294401-T-C. GRCh37 (hg19) VCF-style: chr6-71004104-T-C.
Other names: c.462A>G, p.Val154= (NM_001377291.1); c.462A>G (NM_001851.4).
Identifiers: ClinVar variation 593093 (VCV000593093.16), dbSNP rs150571620, ClinGen allele CA3882803.

ClinVar aggregate classification (germline): Conflicting classifications of pathogenicity. Review status: criteria provided, conflicting classifications (1 of 4 stars). 4 submissions from 4 submitters: Uncertain significance (1); Likely benign (3). Last evaluated 2026-08-04.

Conditions:
COL9A1-related disorder. Also called: COL9A1-related condition; COL9A1-related disorders.

Allele frequency attached by ClinVar (database versions not stated): gnomAD 0.00010; TOPMed 0.00010; 1000 Genomes Project 0.00060; 1000 Genomes Project 30x 0.00062.
gnomAD v4.1: 24 of 1,614,070 alleles (0.0015%); highest among the groups gnomAD compares: African/African-American, 0.028%; no homozygotes.

Submissions (4):

PreventionGenetics, part of Exact Sciences
Classification: Likely benign for COL9A1-related condition. Last evaluated: 2026-08-04. Review status: criteria provided, single submitter. Criteria: ACMG Guidelines, 2015. Collection method: clinical testing. Allele origin: germline.
Comment: This variant is classified as likely benign based on ACMG/AMP sequence variant interpretation guidelines (Richards et al. 2015 PMID: 25741868, with internal and published modifications).

Labcorp Genetics (formerly Invitae), Labcorp
Classification: Likely benign. Last evaluated: 2026-01-04. Review status: criteria provided, single submitter. Criteria: Invitae Variant Classification Sherloc (09022015). Collection method: clinical testing. Allele origin: germline.

Blueprint Genetics
Classification: Likely benign. Last evaluated: 2022-09-05. Review status: criteria provided, single submitter. Criteria: ACMG Guidelines, 2015. Collection method: clinical testing. Allele origin: germline.

Eurofins Ntd Llc (ga)
Classification: Uncertain significance. Last evaluated: 2017-07-11. Review status: criteria provided, single submitter. Criteria: EGL Classification Definitions 2015. Collection method: clinical testing. Allele origin: germline. Observed: 1 variant allele, 1 heterozygote.